The following is an entry in ClinVar:

ClinVar aggregate classification (germline): Pathogenic. Review status: criteria provided, single submitter (1 of 4 stars). 2 submissions from 2 submitters: Pathogenic (1). 1 of the submissions does not count toward it. Last evaluated 2025-01-26.

Conditions:
Familial adenomatous polyposis 1 (FAP1). Also called: FAMILIAL ADENOMATOUS POLYPOSIS 1, ATTENUATED; POLYPOSIS, ADENOMATOUS INTESTINAL. Identifiers: MedGen C2713442, MONDO:0021056, OMIM 175100. Disease mechanism: loss of function.

Submissions (2):

Labcorp Genetics (formerly Invitae), Labcorp
Classification: Pathogenic for Familial adenomatous polyposis 1. Last evaluated: 2025-01-26. Review status: criteria provided, single submitter. Criteria: Invitae Variant Classification Sherloc (09022015). Collection method: clinical testing. Allele origin: germline.
Comment: This sequence change creates a premature translational stop signal (p.Arg976Lysfs*9) in the APC gene. While this is not anticipated to result in nonsense mediated decay, it is expected to disrupt the last 1868 amino acid(s) of the APC protein. This variant is not present in population databases (gnomAD no frequency). This premature translational stop signal has been observed in individual(s) with APC-related conditions (PMID: 10094547). ClinVar contains an entry for this variant (Variation ID: 492660). This variant disrupts a region of the APC protein in which other variant(s) (p.Tyr2645Lysfs*14) have been determined to be pathogenic (PMID: 1316610, 8381579, 9824584, 22135120, 27081525; internal data). This suggests that this is a clinically significant region of the protein, and that variants that disrupt it are likely to be disease-causing. For these reasons, this variant has been classified as Pathogenic.

Mayo Clinic Laboratories, Mayo Clinic
Classification: Likely pathogenic. Review status: no assertion criteria provided. Collection method: clinical testing. Allele origin: unknown. Not counted in ClinVar's aggregate classification.

Literature cited by the submitters: PubMed 10094547 (cited by Labcorp Genetics (formerly Invitae), Labcorp); PubMed 1316610 (cited by Labcorp Genetics (formerly Invitae), Labcorp); PubMed 8381579 (cited by Labcorp Genetics (formerly Invitae), Labcorp); PubMed 9824584 (cited by Labcorp Genetics (formerly Invitae), Labcorp); PubMed 22135120 (cited by Labcorp Genetics (formerly Invitae), Labcorp); PubMed 27081525 (cited by Labcorp Genetics (formerly Invitae), Labcorp).

NM_000038.6(APC):c.2926dup (p.Arg976fs)

Gene: APC (APC regulator of Wnt signaling pathway; plus strand). Cytogenetic location: 5q22.2.
Variant type: Duplication.
Coding change: c.2926dup on transcript NM_000038.6 (MANE Select); coding-DNA position 2926, one base duplicated (A; older notation c.2926dupA).
Protein change: p.Arg976fs; shifts the reading frame from arginine 976.
Molecular consequence: frameshift variant.
Genome position (GRCh38, 1-based): chr5:112,838,520, A duplicated; the last of 4 consecutive A bases (chr5:112,838,517-112,838,520); duplicating any one gives the same sequence. VCF-style (leftmost placement, unchanged base first): chr5-112838516-T-TA. GRCh37 (hg19) VCF-style: chr5-112174213-T-TA.
Other names: c.2926dup, p.Arg976fs (NM_001127510.3, NM_001354895.2); c.2872dup, p.Arg958fs (NM_001127511.3); c.2980dup, p.Arg994fs (NM_001354896.2); c.2956dup, p.Arg986fs (NM_001354897.2); c.2851dup, p.Arg951fs (NM_001354898.2); c.2842dup, p.Arg948fs (NM_001354899.2); c.2803dup, p.Arg935fs (NM_001354900.2); c.2749dup, p.Arg917fs (NM_001354901.2); and 5 more; short protein forms R693fs, R986fs, R885fs, R958fs, R976fs, R816fs, R850fs, R935fs.
Identifiers: ClinVar variation 492660 (VCV000492660.6), dbSNP rs1554084587, ClinGen allele CA445963071.